The following is an entry in ClinVar:

NC_000003.11:g.(?_167413364)_(167413530_?)del

Gene: PDCD10 (programmed cell death 10; minus strand). Cytogenetic location: 3q26.1.
Variant type: Deletion.
Identifiers: ClinVar variation 2427340 (VCV002427340.4).

ClinVar aggregate classification (germline): Pathogenic (1 of 4 stars; one submission).

Conditions:
Cerebral cavernous malformation 3. Also called: Familial Cerebral Cavernous Malformation 3. Identifiers: Orphanet 221061, MedGen C1864040, MONDO:0011305, OMIM 603285.

Submission:

Labcorp Genetics (formerly Invitae), Labcorp
Classification: Pathogenic for Cerebral cavernous malformation 3. Last evaluated: 2022-03-10. Review status: criteria provided, single submitter. Criteria: Invitae Variant Classification Sherloc (09022015). Collection method: clinical testing. Allele origin: germline.
Comment: For these reasons, this variant has been classified as Pathogenic. This variant has not been reported in the literature in individuals affected with PDCD10-related conditions. This variant is a gross deletion of the genomic region encompassing exon(s) 5 of the PDCD10 gene. This deletion is out-of-frame, and is expected to create a premature termination codon and result in an absent or disrupted protein product. Loss-of-function variants in PDCD10 are known to be pathogenic (PMID: 15543491, 18300272, 23801932).

Literature cited by the submitters: PubMed 15543491; PubMed 18300272; PubMed 23801932.